The following is an entry in ClinVar:

ClinVar aggregate classification (germline): Uncertain significance. Review status: criteria provided, multiple submitters, no conflicts (2 of 4 stars). 2 submissions from 2 submitters: Uncertain significance (2). Last evaluated 2025-11-25.

Conditions:
Diamond-Blackfan anemia 9 (DBA9). Also called: RPS10-Related Diamond-Blackfan Anemia. Identifiers: Orphanet 124, MedGen C2750081, MONDO:0013216, OMIM 613308.
Diamond-Blackfan anemia. Also called: Blackfan Diamond syndrome; Aregenerative anemia chronic congenital; Red cell aplasia, pure hereditary; Congenital hypoplastic anemia; Aase syndrome. Identifiers: Orphanet 124, MedGen C1260899, MeSH D029503, MONDO:0015253, HP:0004810.

gnomAD v4.1: 1 of 1,613,848 alleles (0.000062%); highest among the groups gnomAD compares: Non-Finnish European, 0.000085%; no homozygotes.

Submissions (2):

Labcorp Genetics (formerly Invitae), Labcorp
Classification: Uncertain significance for Diamond-Blackfan anemia. Last evaluated: 2025-11-25. Review status: criteria provided, single submitter. Criteria: Invitae Variant Classification Sherloc (09022015). Collection method: clinical testing. Allele origin: germline.
Comment: This sequence change replaces glycine, which is neutral and non-polar, with serine, which is neutral and polar, at codon 111 of the RPS10 protein (p.Gly111Ser). This variant is not present in population databases (gnomAD no frequency). This variant has not been reported in the literature in individuals affected with RPS10-related conditions. ClinVar contains an entry for this variant (Variation ID: 3593511). An algorithm developed to predict the effect of missense changes on protein structure and function (PolyPhen-2) suggests that this variant is likely to be tolerated. In summary, the available evidence is currently insufficient to determine the role of this variant in disease. Therefore, it has been classified as a Variant of Uncertain Significance.

Fulgent Genetics
Classification: Uncertain significance for Diamond-Blackfan anemia 9. Last evaluated: 2024-02-19. Review status: criteria provided, single submitter. Criteria: ACMG Guidelines, 2015. Collection method: clinical testing. Allele origin: germline.

NM_001014.5(RPS10):c.331G>A (p.Gly111Ser)

Genes: RPS10 (ribosomal protein S10; minus strand), RPS10-NUDT3 (RPS10-NUDT3 readthrough; minus strand). Cytogenetic location: 6p21.31.
Variant type: single nucleotide variant.
Coding change: c.331G>A on transcript NM_001014.5 (MANE Select); coding-DNA position 331, G replaced by A.
Protein change: p.Gly111Ser; replaces glycine 111 with serine.
Molecular consequence: missense variant.
Genome position (GRCh38, 1-based): chr6:34,421,799, C>T on the plus strand (G>A on the coding strand, the complement: RPS10 is on the minus strand). VCF-style: chr6-34421799-C-T. GRCh37 (hg19) VCF-style: chr6-34389576-C-T.
Other names: c.331G>A, p.Gly111Ser (NM_001202470.3, NM_001203245.3, NM_001204091.2); short protein forms G111S.
Identifiers: ClinVar variation 3593511 (VCV003593511.2).
Genomic context (GRCh38, chr6:34,421,799, plus strand): 5'-CACTCCGTCTGTAGGTATCTCTGTCAGCTTCCCCTCTTGTGAGTCTCGCAGGTCGCTCAC[C>T]CTCCAGACCTATGTAAATCAAACCACACTGTGAACACAGGGCAATGTGAGAACTCTGTCC-3'
Protein context (NP_001005.1, residues 101-121): TGRPRPKGLE[Gly111Ser]ERPARLTRGE